The following is an entry in ClinVar:

ClinVar aggregate classification (germline): Likely benign (1 of 4 stars; one submission).

Submission:

CeGaT Center for Human Genetics Tuebingen
Classification: Likely benign. Last evaluated: 2026-09-01. Review status: criteria provided, single submitter. Criteria: CeGaT Center For Human Genetics Tuebingen Variant Classification Criteria Version 2. Collection method: clinical testing. Allele origin: germline. Affected: yes. Observed: 4 variant alleles.
Comment: RLIM: BS2

NM_016120.4(RLIM):c.1401CAGTTC[3] (p.Ser475_Ser476dup)

Gene: RLIM (ring finger protein, LIM domain interacting; minus strand). Cytogenetic location: Xq13.2.
Variant type: Microsatellite.
Coding change: c.1401CAGTTC[3] on transcript NM_016120.4 (MANE Select); three copies in a row of the 6-base unit CAGTTC starting at c.1401; the reference has two copies in a row; one copy, 6 bases duplicated.
Protein change: p.Ser475_Ser476dup.
Molecular consequence: inframe insertion.
Genome position (GRCh38, 1-based): chrX:74,591,903-74,591,908, GAACTG duplicated on the plus strand (CAGTTC on the coding strand, the reverse complement: RLIM is on the minus strand); duplicating any 6 consecutive bases within chrX:74,591,903-74,591,919 gives the same sequence; the position shown is the placement nearest the transcript's 3' end. VCF-style (leftmost placement, unchanged base first): chrX-74591902-T-TGAACTG. GRCh37 (hg19) VCF-style: chrX-73811737-T-TGAACTG.
Other names: c.1401CAGTTC[3], p.Ser475_Ser476dup (NM_183353.3).
Identifiers: ClinVar variation 932611 (VCV000932611.39), dbSNP rs749149244, ClinGen allele CA10454609.